The following is an entry in ClinVar:

NM_000492.4(CFTR):c.-7A>T

Genes: CFTR (CF transmembrane conductance regulator; plus strand), LOC111674463 (CFTR promoter region; plus strand). Cytogenetic location: 7q31.2.
Variant type: single nucleotide variant.
Coding change: c.-7A>T on transcript NM_000492.4 (MANE Select); 7 bases upstream of the start codon, A replaced by T.
Molecular consequence: 5 prime UTR variant.
Genome position (GRCh38, 1-based): chr7:117,480,088, A>T. VCF-style: chr7-117480088-A-T. GRCh37 (hg19) VCF-style: chr7-117120142-A-T.
Identifiers: ClinVar variation 2169688 (VCV002169688.1), dbSNP rs1797976459, ClinGen allele CA1737344589.

ClinVar aggregate classification (germline): Uncertain significance (1 of 4 stars; one submission).

Conditions:
Cystic fibrosis (CF). Also called: MUCOVISCIDOSIS. Identifiers: Orphanet 586, MedGen C0010674, MONDO:0009061, OMIM 219700. Disease mechanism: loss of function.

gnomAD v4.1: 1 of 1,613,928 alleles (0.000062%); highest among the groups gnomAD compares: Non-Finnish European, 0.000085%; no homozygotes.

Submission:

Labcorp Genetics (formerly Invitae), Labcorp
Classification: Uncertain significance for Cystic fibrosis. Last evaluated: 2021-05-25. Review status: criteria provided, single submitter. Criteria: Invitae Variant Classification Sherloc (09022015). Collection method: clinical testing. Allele origin: germline.
Comment: This variant occurs in a non-coding region of the CFTR gene. It does not change the encoded amino acid sequence of the CFTR protein. This variant is not present in population databases (ExAC no frequency). This variant has not been reported in the literature in individuals with CFTR-related conditions. Algorithms developed to predict the effect of sequence changes on RNA splicing suggest that this variant may create or strengthen a splice site, but this prediction has not been confirmed by published transcriptional studies. In summary, the available evidence is currently insufficient to determine the role of this variant in disease. Therefore, it has been classified as a Variant of Uncertain Significance.